The following is an entry in ClinVar:

NM_001142800.2(EYS):c.4630C>T (p.Gln1544Ter)

Gene: EYS (EGF-like photoreceptor maintenance factor; minus strand). Cytogenetic location: 6q12.
Variant type: single nucleotide variant.
Coding change: c.4630C>T on transcript NM_001142800.2 (MANE Select); coding-DNA position 4630, C replaced by T.
Protein change: p.Gln1544Ter; replaces glutamine 1544 with a stop codon.
Molecular consequence: nonsense.
Genome position (GRCh38, 1-based): chr6:64,591,237, G>A on the plus strand (C>T on the coding strand, the complement: EYS is on the minus strand). VCF-style: chr6-64591237-G-A. GRCh37 (hg19) VCF-style: chr6-65301130-G-A.
Other names: c.4630C>T, p.Gln1544Ter (NM_001292009.2); short protein forms Q1544*.
Identifiers: ClinVar variation 5010965 (VCV005010965.1).

ClinVar aggregate classification (germline): Pathogenic (1 of 4 stars; one submission).

Conditions:
Retinitis pigmentosa 25 (RP25). Identifiers: Orphanet 791, MedGen C1864446, MONDO:0011272, OMIM 602772.

Submission:

Myriad Genetics, Inc.
Classification: Pathogenic for Retinitis pigmentosa 25. Last evaluated: 2024-05-14. Review status: criteria provided, single submitter. Criteria: Myriad Autosomal Dominant, Autosomal Recessive and X-Linked Classification Criteria (2023). Collection method: clinical testing. Allele origin: unknown.
Comment: NM_001142800.1(EYS):c.4630C>T(Q1544*) is expected to be pathogenic in the context of retinitis pigmentosa, EYS-related. This variant is predicted to lead to an abnormal or absent protein product due to the creation of a premature termination codon in EYS, a gene where loss-of-function variants are known to be pathogenic. Please note: this variant was assessed in the context of healthy population screening.